The following is an entry in ClinVar:

NM_000170.3(GLDC):c.2171T>C (p.Val724Ala)

Gene: GLDC (glycine decarboxylase; minus strand). Cytogenetic location: 9p24.1.
Variant type: single nucleotide variant.
Coding change: c.2171T>C on transcript NM_000170.3 (MANE Select); coding-DNA position 2171, T replaced by C.
Protein change: p.Val724Ala; replaces valine 724 with alanine.
Molecular consequence: missense variant.
Genome position (GRCh38, 1-based): chr9:6,556,184, A>G on the plus strand (T>C on the coding strand, the complement: GLDC is on the minus strand). VCF-style: chr9-6556184-A-G. GRCh37 (hg19) VCF-style: chr9-6556184-A-G.
Other names: short protein forms V724A.
Identifiers: ClinVar variation 4779504 (VCV004779504.1).

ClinVar aggregate classification (germline): Uncertain significance (1 of 4 stars; one submission).

Conditions:
Glycine encephalopathy. Also called: Nonketotic hyperglycinemia; Non-ketotic hyperglycinemia. Identifiers: Orphanet 407, MedGen C0751748, MONDO:0011612, HP:0008288.

Submission:

Labcorp Genetics (formerly Invitae), Labcorp
Classification: Uncertain significance for Glycine encephalopathy. Last evaluated: 2025-10-01. Review status: criteria provided, single submitter. Criteria: Invitae Variant Classification Sherloc (09022015). Collection method: clinical testing. Allele origin: germline.
Comment: This sequence change replaces valine, which is neutral and non-polar, with alanine, which is neutral and non-polar, at codon 724 of the GLDC protein (p.Val724Ala). This variant is not present in population databases (gnomAD no frequency). This variant has not been reported in the literature in individuals affected with GLDC-related conditions. Invitae Evidence Modeling of protein sequence and biophysical properties (such as structural, functional, and spatial information, amino acid conservation, physicochemical variation, residue mobility, and thermodynamic stability) indicates that this missense variant is expected to disrupt GLDC protein function with a positive predictive value of 95%. In summary, the available evidence is currently insufficient to determine the role of this variant in disease. Therefore, it has been classified as a Variant of Uncertain Significance.